The following is an entry in ClinVar:

NM_201384.3(PLEC):c.5705C>T (p.Ser1902Leu)

Gene: PLEC (plectin; minus strand). Cytogenetic location: 8q24.3.
Variant type: single nucleotide variant.
Coding change: c.5705C>T on transcript NM_201384.3 (MANE Select); coding-DNA position 5705, C replaced by T.
Protein change: p.Ser1902Leu; replaces serine 1902 with leucine.
Molecular consequence: missense variant.
Genome position (GRCh38, 1-based): chr8:143,924,224, G>A on the plus strand (C>T on the coding strand, the complement: PLEC is on the minus strand). VCF-style: chr8-143924224-G-A. GRCh37 (hg19) VCF-style: chr8-144998392-G-A.
Other names: c.5717C>T, p.Ser1906Leu (NM_201383.3); c.5786C>T, p.Ser1929Leu (NM_000445.5); c.5663C>T, p.Ser1888Leu (NM_201378.4); c.5639C>T, p.Ser1880Leu (NM_201379.3); c.6116C>T, p.Ser2039Leu (NM_201380.4); c.5609C>T, p.Ser1870Leu (NM_201381.3); c.5705C>T, p.Ser1902Leu (NM_201382.4); short protein forms S1880L, S1902L, S1906L, S1929L, S1870L, S1888L, S2039L.
Identifiers: ClinVar variation 647489 (VCV000647489.8), dbSNP rs781817576, ClinGen allele CA4926267.
Genomic context (GRCh38, chr8:143,924,224, plus strand): 5'-TGCCGCCGCTGCCTCAGCGTGTCCTCCACCAGCCCCTTCTGCCGCTCCAGCTCGCTGTCC[G>A]ATGCCTTGCGCAGCTGGGCCAGGCGCTCCTCGATGTCAGCCTTGTGTTGCGCGGCCTGCT-3'
Protein context (NP_958786.1, residues 1892-1912): EERLAQLRKA[Ser1902Leu]DSELERQKGL

ClinVar aggregate classification (germline): Uncertain significance. Review status: criteria provided, multiple submitters, no conflicts (2 of 4 stars). 2 submissions from 2 submitters: Uncertain significance (2). Last evaluated 2025-03-27.

Conditions:
Epidermolysis bullosa simplex, Ogna type (EBS5A). Also called: Pidermolysis bullosa simplex 5A, Ogna type; EPIDERMOLYSIS BULLOSA SIMPLEX 5A, OGNA TYPE. Identifiers: Orphanet 79401, MedGen C0432317, MONDO:0007555, OMIM 131950.
Epidermolysis bullosa simplex 5C, with pyloric atresia (EBS5C). Also called: Epidermolysis bullosa simplex with pyloric atresia; PLEC-Related Epidermolysis Bullosa with Pyloric Atresia; PLEC1-Related Epidermolysis Bullosa with Pyloric Atresia. Identifiers: Orphanet 158684, MedGen C2677349, MONDO:0012807, OMIM 612138.
Epidermolysis bullosa simplex with nail dystrophy (EBS5D). Identifiers: MedGen C4225309, MONDO:0014661, OMIM 616487.
Epidermolysis bullosa simplex 5B, with muscular dystrophy (EBS5B). Also called: EPIDERMOLYSIS BULLOSA SIMPLEX AND LIMB-GIRDLE MUSCULAR DYSTROPHY; Epidermolysis bullosa simplex with muscular dystrophy. Identifiers: Orphanet 257, MedGen C2931072, MONDO:0009181, OMIM 226670.
Autosomal recessive limb-girdle muscular dystrophy type 2Q (LGMDR17). Also called: MUSCULAR DYSTROPHY, LIMB-GIRDLE, AUTOSOMAL RECESSIVE 17. Identifiers: Orphanet 254361, MedGen C3150989, MONDO:0013390, OMIM 613723.

Allele frequency attached by ClinVar (database versions not stated): TOPMed 0.00001; ExAC 0.00002; gnomAD 0.00003; gnomAD exomes 0.00003.
gnomAD v4.1: 90 of 1,598,378 alleles (0.0056%); highest among the groups gnomAD compares: East Asian, 0.011%; no homozygotes.

Submissions (2):

Revvity Omics, Revvity
Classification: Uncertain significance. Last evaluated: 2025-03-27. Review status: criteria provided, single submitter. Criteria: ACMG Guidelines, 2015. Collection method: clinical testing. Allele origin: germline.

Labcorp Genetics (formerly Invitae), Labcorp
Classification: Uncertain significance for Autosomal recessive limb-girdle muscular dystrophy type 2Q; Epidermolysis bullosa simplex, Ogna type; Epidermolysis bullosa simplex with nail dystrophy; Epidermolysis bullosa simplex 5C, with pyloric atresia; Epidermolysis bullosa simplex 5B, with muscular dystrophy. Last evaluated: 2024-02-08. Review status: criteria provided, single submitter. Criteria: Invitae Variant Classification Sherloc (09022015). Collection method: clinical testing. Allele origin: germline.
Comment: This sequence change replaces serine, which is neutral and polar, with leucine, which is neutral and non-polar, at codon 1929 of the PLEC protein (p.Ser1929Leu). This variant is present in population databases (rs781817576, gnomAD 0.01%). This variant has not been reported in the literature in individuals affected with PLEC-related conditions. ClinVar contains an entry for this variant (Variation ID: 647489). Experimental studies and prediction algorithms are not available or were not evaluated, and the functional significance of this variant is currently unknown. In summary, the available evidence is currently insufficient to determine the role of this variant in disease. Therefore, it has been classified as a Variant of Uncertain Significance.